The following is an entry in ClinVar:

ClinVar aggregate classification (germline): Pathogenic. Review status: criteria provided, multiple submitters, no conflicts (2 of 4 stars). 7 submissions from 7 submitters: Pathogenic (6). 1 of the submissions does not count toward it. Last evaluated 2026-01-20.

Conditions:
SKIN/HAIR/EYE PIGMENTATION 3, LIGHT/DARK SKIN (SHEP3). Also called: EYE COLOR 1; EYE COLOR, GREEN/BLUE; SKIN/HAIR/EYE PIGMENTATION, VARIATION IN, 3; SKIN/HAIR/EYE PIGMENTATION 3, BLUE/GREEN EYE COLOR; SKIN/HAIR/EYE PIGMENTATION 3, FRECKLING. Identifiers: MedGen C2677190, OMIM 601800.
Oculocutaneous albinism type 1A (OCA1A). Also called: Albinism, oculocutaneous, type IA. Identifiers: Orphanet 352731, Orphanet 79431, MedGen C4551504, MONDO:0008745, OMIM 203100. Disease mechanism: loss of function.
Oculocutaneous albinism type 1B (OCA1B). Also called: ALBINISM, OCULOCUTANEOUS, TYPE IB; YELLOW ALBINISM; ALBINISM, YELLOW MUTANT TYPE. Identifiers: Orphanet 352731, Orphanet 352737, Orphanet 79434, MedGen C1847024, MONDO:0011749, OMIM 606952.
TYR-related disorder. Also called: TYR-related condition.

Allele frequency attached by ClinVar (database versions not stated): gnomAD 0.00001; gnomAD exomes 0.00001; TOPMed 0.00003.

Submissions (7):

Labcorp Genetics (formerly Invitae), Labcorp
Classification: Pathogenic. Last evaluated: 2026-01-20. Review status: criteria provided, single submitter. Criteria: Invitae Variant Classification Sherloc (09022015). Collection method: clinical testing. Allele origin: germline.
Comment: This sequence change creates a premature translational stop signal (p.Arg217Glyfs*9) in the TYR gene. It is expected to result in an absent or disrupted protein product. Loss-of-function variants in TYR are known to be pathogenic (PMID: 23504663). This variant is present in population databases (rs61754364, gnomAD no frequency). This premature translational stop signal has been observed in individual(s) with oculocutaneous albinism (PMID: 8128955). This variant is also known as R217𝝙C. ClinVar contains an entry for this variant (Variation ID: 99574). Algorithms developed to predict the effect of sequence changes on RNA splicing suggest that this variant may disrupt the consensus splice site. For these reasons, this variant has been classified as Pathogenic.

Laboratory of Genetic Epidemiology, Research Centre for Medical Genetics
Classification: Pathogenic for Oculocutaneous albinism type 1A; Oculocutaneous albinism type 1B. Last evaluated: 2025-01-01. Review status: criteria provided, single submitter. Criteria: ACMG Guidelines, 2015. Collection method: clinical testing. Allele origin: paternal. Inheritance: Autosomal recessive inheritance. Affected: yes. Observed: 1 compound heterozygote.
Comment: This variant leads to the formation of premature stop codon p.(Arg217GlyfsTer9); variant has been previously reported in the literature (PMIDs: 8128955, 23504663), and is listed in gnomAD v2.1.1 with allele frequency 0.00001 in Europe (1/68030). Taken together, the variant meets the following ACMG/AMP criteria and can be classified as pathogenic with PM2, PVS1, PM3, PP4 criteria.

Fulgent Genetics
Classification: Pathogenic for Oculocutaneous albinism type 1A; SKIN/HAIR/EYE PIGMENTATION 3, LIGHT/DARK SKIN; Oculocutaneous albinism type 1B. Last evaluated: 2024-03-16. Review status: criteria provided, single submitter. Criteria: ACMG Guidelines, 2015. Collection method: clinical testing. Allele origin: germline.

GeneDx
Classification: Pathogenic. Last evaluated: 2023-12-19. Review status: criteria provided, single submitter. Criteria: GeneDx Variant Classification Process June 2021. Collection method: clinical testing. Allele origin: germline. Affected: yes.
Comment: Frameshift variant predicted to result in protein truncation or nonsense mediated decay in a gene for which loss of function is a known mechanism of disease; Not observed at significant frequency in large population cohorts (gnomAD); This variant is associated with the following publications: (PMID: 8128955)

Baylor Genetics
Classification: Pathogenic for SKIN/HAIR/EYE PIGMENTATION 3, LIGHT/DARK SKIN. Last evaluated: 2023-08-08. Review status: criteria provided, single submitter. Criteria: ACMG Guidelines, 2015. Collection method: clinical testing. Allele origin: unknown.

Blueprint Genetics
Classification: Pathogenic for TYR-related disorders. Last evaluated: 2020-10-12. Review status: criteria provided, single submitter. Criteria: ACMG Guidelines, 2015. Collection method: clinical testing. Allele origin: germline. Affected: yes. Observed: 2 variant alleles.

Retina International
No classification provided. Review status: no classification provided. Collection method: not provided. Allele origin: not provided. Not counted in ClinVar's aggregate classification.

Literature cited by the submitters: PubMed 23504663 (cited by Labcorp Genetics (formerly Invitae), Labcorp and Laboratory of Genetic Epidemiology, Research Centre for Medical Genetics); PubMed 8128955 (cited by Labcorp Genetics (formerly Invitae), Labcorp and Laboratory of Genetic Epidemiology, Research Centre for Medical Genetics); PubMed 41428507 (cited by Laboratory of Genetic Epidemiology, Research Centre for Medical Genetics).

NM_000372.5(TYR):c.649del (p.Arg217fs)

Gene: TYR (tyrosinase; plus strand). Cytogenetic location: 11q14.3.
Variant type: Deletion.
Coding change: c.649del on transcript NM_000372.5 (MANE Select); coding-DNA position 649, one base deleted (C; older notation c.649delC).
Protein change: p.Arg217fs; shifts the reading frame from arginine 217.
Molecular consequence: frameshift variant.
Genome position (GRCh38, 1-based): chr11:89,178,602, C deleted. VCF-style (leftmost placement, unchanged base first): chr11-89178601-GC-G. GRCh37 (hg19) VCF-style: chr11-88911769-GC-G.
Other names: c.649del (NM_000372.4); c.649delC (NM_000372.5); short protein forms R217fs.
Identifiers: ClinVar variation 99574 (VCV000099574.10), dbSNP rs61754364, ClinGen allele CA227579.